The following is an entry in ClinVar:

NM_002474.3(MYH11):c.2998-18_2998-15del

Gene: MYH11 (myosin heavy chain 11; minus strand). Cytogenetic location: 16p13.11.
Variant type: Deletion.
Coding change: c.2998-18_2998-15del on transcript NM_002474.3 (MANE Select); 18 bases into the intron before coding-DNA position 2998 through 15 bases into the intron before coding-DNA position 2998, 4 bases deleted (TTCT; older notation c.2998-18_2998-15delTTCT).
Molecular consequence: intron variant.
Genome position (GRCh38, 1-based): chr16:15,738,703-15,738,706, AGAA deleted on the plus strand (TTCT on the coding strand, the reverse complement: MYH11 is on the minus strand); deleting any 4 consecutive bases within chr16:15,738,703-15,738,709 gives the same sequence; the c. name uses the placement nearest the transcript's 3' end. VCF-style (leftmost placement, unchanged base first): chr16-15738702-GAGAA-G. GRCh37 (hg19) VCF-style: chr16-15832559-GAGAA-G.
Other names: c.2998-18_2998-15delTTCT (NM_002474.2); c.2998-18_2998-15del (NM_022844.3); c.3019-18_3019-15del (NM_001040114.2, NM_001040113.2).
Identifiers: ClinVar variation 506305 (VCV000506305.3), dbSNP rs773084128, ClinGen allele CA278624449.

ClinVar aggregate classification (germline): Likely benign. Review status: criteria provided, multiple submitters, no conflicts (2 of 4 stars). 2 submissions from 2 submitters: Likely benign (2). Last evaluated 2024-10-07.

Conditions:
Aortic aneurysm, familial thoracic 4 (AAT4). Also called: AORTIC ANEURYSM/AORTIC DISSECTION AND PATENT DUCTUS ARTERIOSUS. Identifiers: MedGen C1851504, MONDO:0007568, OMIM 132900.

Submissions (2):

Labcorp Genetics (formerly Invitae), Labcorp
Classification: Likely benign for Aortic aneurysm, familial thoracic 4. Last evaluated: 2024-10-07. Review status: criteria provided, single submitter. Criteria: Invitae Variant Classification Sherloc (09022015). Collection method: clinical testing. Allele origin: germline.

GeneDx
Classification: Likely benign. Last evaluated: 2018-03-08. Review status: criteria provided, single submitter. Criteria: GeneDx Variant Classification (06012015). Collection method: clinical testing. Allele origin: germline. Affected: yes.
Comment: This variant is considered likely benign or benign based on one or more of the following criteria: it is a conservative change, it occurs at a poorly conserved position in the protein, it is predicted to be benign by multiple in silico algorithms, and/or has population frequency not consistent with disease.